The following is an entry in ClinVar:

ClinVar aggregate classification (germline): Likely benign. Review status: criteria provided, multiple submitters, no conflicts (2 of 4 stars). 3 submissions from 3 submitters: Likely benign (2). 1 of the submissions does not count toward it. Last evaluated 2025-11-03.

Conditions:
WIPF1-related disorder. Also called: WIPF1-related condition.
Wiskott-Aldrich syndrome 2 (WAS2). Also called: WIPF1 DEFICIENCY. Identifiers: Orphanet 906, MedGen C3281001, MONDO:0013779, OMIM 614493.

Allele frequency attached by ClinVar (database versions not stated): TOPMed below 0.00001; gnomAD 0.00001 and 0.00015; gnomAD exomes 0.00022 and 0.00039; ExAC 0.00049; 1000 Genomes Project 30x 0.00109; 1000 Genomes Project 0.00120.
gnomAD v4.1: 342 of 1,614,136 alleles (0.021%); highest among the groups gnomAD compares: South Asian, 0.35%; 3 homozygotes.

Submissions (3):

Labcorp Genetics (formerly Invitae), Labcorp
Classification: Likely benign for Wiskott-Aldrich syndrome 2. Last evaluated: 2025-11-03. Review status: criteria provided, single submitter. Criteria: Invitae Variant Classification Sherloc (09022015). Collection method: clinical testing. Allele origin: germline.

Blueprint Genetics
Classification: Likely benign. Last evaluated: 2024-05-08. Review status: criteria provided, single submitter. Criteria: ACMG Guidelines, 2015. Collection method: clinical testing. Allele origin: germline.

PreventionGenetics, part of Exact Sciences
Classification: Likely benign for WIPF1-related condition. Last evaluated: 2022-05-10. Review status: no assertion criteria provided. Collection method: clinical testing. Allele origin: germline. Not counted in ClinVar's aggregate classification.
Comment: This variant is classified as likely benign based on ACMG/AMP sequence variant interpretation guidelines (Richards et al. 2015 PMID: 25741868, with internal and published modifications).

NM_001375834.1(WIPF1):c.590G>A (p.Ser197Asn)

Gene: WIPF1 (WAS/WASL interacting protein family member 1; minus strand). Cytogenetic location: 2q31.1.
Variant type: single nucleotide variant.
Coding change: c.590G>A on transcript NM_001375834.1 (MANE Select); coding-DNA position 590, G replaced by A.
Protein change: p.Ser197Asn; replaces serine 197 with asparagine.
Molecular consequence: missense variant.
Genome position (GRCh38, 1-based): chr2:174,572,215, C>T on the plus strand (G>A on the coding strand, the complement: WIPF1 is on the minus strand). VCF-style: chr2-174572215-C-T. GRCh37 (hg19) VCF-style: chr2-175436943-C-T.
Other names: c.590G>A, p.Ser197Asn (NM_001077269.1, NM_001375832.1, NM_001375833.1 and 5 more transcripts); c.212G>A, p.Ser71Asn (NM_001375839.1); short protein forms S197N, S71N.
Identifiers: ClinVar variation 1575637 (VCV001575637.11), dbSNP rs541606974, ClinGen allele CA1974102.